The following is an entry in ClinVar:

ClinVar aggregate classification (germline): Likely benign (0 of 4 stars; one submission).

Conditions:
GIGYF1-related disorder. Also called: GIGYF1-related condition.

Allele frequency attached by ClinVar (database versions not stated): ExAC 0.00001; gnomAD exomes 0.00001; TOPMed 0.00002.

Submission:

PreventionGenetics, part of Exact Sciences
Classification: Likely benign for GIGYF1-related condition. Last evaluated: 2021-08-24. Review status: no assertion criteria provided. Collection method: clinical testing. Allele origin: germline.
Comment: This variant is classified as likely benign based on ACMG/AMP sequence variant interpretation guidelines (Richards et al. 2015 PMID: 25741868, with internal and published modifications).

NM_001375765.1(GIGYF1):c.84C>T (p.Ser28=)

Gene: GIGYF1 (GRB10 interacting GYF protein 1; minus strand). Cytogenetic location: 7q22.1.
Variant type: single nucleotide variant.
Coding change: c.84C>T on transcript NM_001375765.1 (MANE Select); coding-DNA position 84, C replaced by T.
Protein change: p.Ser28=; no amino-acid change (serine 28 retained).
Molecular consequence: synonymous variant. On other transcripts: non-coding transcript variant (1).
Genome position (GRCh38, 1-based): chr7:100,688,062, G>A on the plus strand (C>T on the coding strand, the complement: GIGYF1 is on the minus strand). VCF-style: chr7-100688062-G-A. GRCh37 (hg19) VCF-style: chr7-100285685-G-A.
Other names: NM_022574.4:c.84C>T; c.84C>T, p.Ser28= (NM_001375759.1, NM_001375760.1, NM_001375761.1 and 6 more transcripts).
Identifiers: ClinVar variation 3029196 (VCV003029196.2), dbSNP rs766066536, ClinGen allele CA4389216.